The following is an entry in ClinVar:

NM_001206927.2(DNAH8):c.3561G>T (p.Lys1187Asn)

Gene: DNAH8 (dynein axonemal heavy chain 8; plus strand). Cytogenetic location: 6p21.2.
Variant type: single nucleotide variant.
Coding change: c.3561G>T on transcript NM_001206927.2 (MANE Select); coding-DNA position 3561, G replaced by T.
Protein change: p.Lys1187Asn; replaces lysine 1187 with asparagine.
Molecular consequence: missense variant.
Genome position (GRCh38, 1-based): chr6:38,822,875, G>T. VCF-style: chr6-38822875-G-T. GRCh37 (hg19) VCF-style: chr6-38790651-G-T.
Other names: c.2910G>T, p.Lys970Asn (NM_001371.4); short protein forms K1187N, K970N.
Identifiers: ClinVar variation 1370803 (VCV001370803.8), dbSNP rs763348835, ClinGen allele CA3788881.
Genomic context (GRCh38, chr6:38,822,875, plus strand): 5'-AGTGTAAAAACATCTGTTTTCAGGATCTTTTGAAGAAGCTATTCCTGCGAGGAAGCTGAA[G>T]AATTTTTACCCGGGGGTAGCGGAGCACAAGGATATTTCTAAGTTGGTCCTGCTCCTTTCT-3'
Protein context (NP_001193856.1, residues 1177-1197): FEEAIPARKL[Lys1187Asn]NFYPGVAEHK

ClinVar aggregate classification (germline): Uncertain significance (1 of 4 stars; one submission).

Conditions:
Primary ciliary dyskinesia. Also called: Ciliary dyskinesia. Identifiers: Orphanet 244, MedGen C0008780, MONDO:0016575, HP:0012265.

Allele frequency attached by ClinVar (database versions not stated): gnomAD exomes below 0.00001 and 0.00001; ExAC 0.00001.
gnomAD v4.1: 3 of 1,604,572 alleles (0.00019%); highest among the groups gnomAD compares: Non-Finnish European, 0.00017%; no homozygotes.

Submission:

Labcorp Genetics (formerly Invitae), Labcorp
Classification: Uncertain significance for Primary ciliary dyskinesia. Last evaluated: 2021-04-02. Review status: criteria provided, single submitter. Criteria: Invitae Variant Classification Sherloc (09022015). Collection method: clinical testing. Allele origin: germline.
Comment: In summary, the available evidence is currently insufficient to determine the role of this variant in disease. Therefore, it has been classified as a Variant of Uncertain Significance. Algorithms developed to predict the effect of missense changes on protein structure and function are either unavailable or do not agree on the potential impact of this missense change (SIFT: "Deleterious"; PolyPhen-2: "Not Available"; Align-GVGD: "Class C0"). This variant has not been reported in the literature in individuals with DNAH8-related conditions. This variant is present in population databases (rs763348835, ExAC 0.002%). This sequence change replaces lysine with asparagine at codon 1187 of the DNAH8 protein (p.Lys1187Asn). The lysine residue is moderately conserved and there is a moderate physicochemical difference between lysine and asparagine.